The following is an entry in ClinVar:

NM_006389.5(HYOU1):c.1793C>G (p.Thr598Ser)

Gene: HYOU1 (hypoxia up-regulated 1; minus strand). Cytogenetic location: 11q23.3.
Variant type: single nucleotide variant.
Coding change: c.1793C>G on transcript NM_006389.5 (MANE Select); coding-DNA position 1793, C replaced by G.
Protein change: p.Thr598Ser; replaces threonine 598 with serine.
Molecular consequence: missense variant.
Genome position (GRCh38, 1-based): chr11:119,049,569, G>C on the plus strand (C>G on the coding strand, the complement: HYOU1 is on the minus strand). VCF-style: chr11-119049569-G-C. GRCh37 (hg19) VCF-style: chr11-118920281-G-C.
Other names: c.1793C>G (NM_006389.3); c.1793C>G, p.Thr598Ser (NM_001130991.3, NM_001411041.1); short protein forms T598S.
Identifiers: ClinVar variation 2738065 (VCV002738065.5), dbSNP rs782276483, ClinGen allele CA229620328.

ClinVar aggregate classification (germline): Uncertain significance. Review status: criteria provided, multiple submitters, no conflicts (2 of 4 stars). 3 submissions from 3 submitters: Uncertain significance (3). Last evaluated 2025-10-09.

Allele frequency attached by ClinVar (database versions not stated): gnomAD 0.00001; gnomAD exomes 0.00001; TOPMed 0.00001.
gnomAD v4.1: 21 of 1,614,002 alleles (0.0013%); highest among the groups gnomAD compares: East Asian, 0.042%; no homozygotes.

Submissions (3):

Labcorp Genetics (formerly Invitae), Labcorp
Classification: Uncertain significance. Last evaluated: 2025-10-09. Review status: criteria provided, single submitter. Criteria: Invitae Variant Classification Sherloc (09022015). Collection method: clinical testing. Allele origin: germline.
Comment: This sequence change replaces threonine, which is neutral and polar, with serine, which is neutral and polar, at codon 598 of the HYOU1 protein (p.Thr598Ser). This variant is present in population databases (rs782276483, gnomAD 0.07%), and has an allele count higher than expected for a pathogenic variant. This variant has not been reported in the literature in individuals affected with HYOU1-related conditions. ClinVar contains an entry for this variant (Variation ID: 2738065). An algorithm developed to predict the effect of missense changes on protein structure and function (PolyPhen-2) suggests that this variant is likely to be tolerated. In summary, the available evidence is currently insufficient to determine the role of this variant in disease. Therefore, it has been classified as a Variant of Uncertain Significance.

Ambry Genetics
Classification: Uncertain significance. Last evaluated: 2024-08-20. Review status: criteria provided, single submitter. Criteria: Ambry Variant Classification Scheme 2023. Collection method: clinical testing. Allele origin: germline.

Blueprint Genetics
Classification: Uncertain significance. Last evaluated: 2023-08-10. Review status: criteria provided, single submitter. Criteria: ACMG Guidelines, 2015. Collection method: clinical testing. Allele origin: germline.